The following is an entry in ClinVar:

ClinVar aggregate classification (germline): Uncertain significance (1 of 4 stars; one submission).

Submission:

Dasa
Classification: Uncertain significance. Last evaluated: 2026-07-24. Review status: criteria provided, single submitter. Criteria: DASA Assertion Criteria. Collection method: clinical testing. Allele origin: germline.
Comment: NM_182931.3(KMT2E):c.3932C>T (p.Ala1311Val) is a missense variant that results in the substitution of alanine with valine. This variant is rare in population databases. Computational prediction algorithms are consistent with a benign effect. The currently available literature and clinical evidence are not sufficient to establish a definitive association between this variant and the reported condition. Therefore, this variant is classified as a variant of uncertain significance.

NM_182931.3(KMT2E):c.3932C>T (p.Ala1311Val)

Gene: KMT2E (lysine methyltransferase 2E (inactive); plus strand). Cytogenetic location: 7q22.3.
Variant type: single nucleotide variant.
Coding change: c.3932C>T on transcript NM_182931.3 (MANE Select); coding-DNA position 3932, C replaced by T.
Protein change: p.Ala1311Val; replaces alanine 1311 with valine.
Molecular consequence: missense variant. On other transcripts: intron variant (1).
Genome position (GRCh38, 1-based): chr7:105,110,564, C>T. VCF-style: chr7-105110564-C-T. GRCh37 (hg19) VCF-style: chr7-104751011-C-T.
Other names: c.3932C>T, p.Ala1311Val (NM_018682.4); c.3844+196C>T (NM_001410908.1); short protein forms A1311V.
Identifiers: ClinVar variation 5020141 (VCV005020141.1).